The following is an entry in ClinVar:

NM_000548.5(TSC2):c.2546-313_2967-376del

Gene: TSC2 (TSC complex subunit 2; plus strand). Cytogenetic location: 16p13.3.
Variant type: Deletion.
Coding change: c.2546-313_2967-376del on transcript NM_000548.5 (MANE Select); 313 bases into the intron before coding-DNA position 2546 through 376 bases into the intron before coding-DNA position 2967, 3,171 bases deleted.
Molecular consequence: splice acceptor variant, splice donor variant.
Genome position (GRCh38, 1-based): chr16:2,075,486-2,078,656, 3,171 bases deleted. GRCh37 (hg19): chr16:2,125,487-2,128,657.
Other names: c.2399-313_2691-376del (NM_001318829.2); c.2579-313_2871-379del (NM_001318832.2); c.2546-313_2838-376del (NM_021055.3, NM_001370405.1, NM_001363528.2); c.2546-313_2967-376del (NM_001114382.3); c.2546-313_2838-379del (NM_001370404.1, NM_001077183.3); c.2435-313_2727-376del (NM_001318827.2); c.1946-313_2238-379del (NM_001318831.2).
Identifiers: ClinVar variation 1696835 (VCV001696835.1), ClinGen allele CA2580090842.

ClinVar aggregate classification (germline): Pathogenic (1 of 4 stars; one submission).

Conditions:
Tuberous sclerosis 2 (TSC2). Identifiers: Orphanet 805, MedGen C1860707, MONDO:0013199, OMIM 613254.

Submission:

Division of Genomic Medicine, Department of Advanced Medicine, Medical Research Institute, Kanazawa Medical University
Classification: Pathogenic for Tuberous sclerosis 2. Last evaluated: 2022-07-17. Review status: criteria provided, single submitter. Criteria: ACMG Guidelines, 2015. Collection method: clinical testing. Allele origin: germline. Affected: yes. Observed: 1 variant allele.
Comment: Intragenic TSC2 large deletion.